The following is an entry in ClinVar:

ClinVar aggregate classification (germline): Likely pathogenic (1 of 4 stars; one submission).

gnomAD v4.1: 1 of 1,612,470 alleles (0.000062%); highest among the groups gnomAD compares: Admixed American, 0.0017%; no homozygotes.

Submission:

GeneDx
Classification: Likely pathogenic. Last evaluated: 2026-08-12. Review status: criteria provided, single submitter. Criteria: GeneDx Variant Classification Process June 2021. Collection method: clinical testing. Allele origin: germline.
Comment: Canonical splice site variant predicted to result in an in-frame loss of the adjacent exon in a gene for which loss of function is a known mechanism of disease; Not observed at significant frequency in large population cohorts (gnomAD); Has not been previously published as pathogenic or benign to our knowledge

NM_019026.6(TMCO1):c.71-2A>G

Gene: TMCO1 (transmembrane and coiled-coil domains 1; minus strand). Cytogenetic location: 1q24.1.
Variant type: single nucleotide variant.
Coding change: c.71-2A>G on transcript NM_019026.6 (MANE Select); the canonical splice acceptor site of the intron before coding-DNA position 71, A replaced by G.
Molecular consequence: splice acceptor variant. On other transcripts: intron variant (1).
Genome position (GRCh38, 1-based): chr1:165,768,271, T>C on the plus strand (A>G on the coding strand, the complement: TMCO1 is on the minus strand). VCF-style: chr1-165768271-T-C. GRCh37 (hg19) VCF-style: chr1-165737508-T-C.
Other names: c.147-27A>G (NM_001256164.1); c.35-2A>G (NM_001256165.1).
Identifiers: ClinVar variation 4529723 (VCV004529723.2).
Genomic context (GRCh38, chr1:165,768,271, plus strand): 5'-CACTTCTGCCTTCAGTCTCTTGTACTTGTCTGTCCTGTAAACCAGGACCCAGGTTATGCC[T>C]AAAACATTAAAAGCAACATGTTAATAGAGAAATGACTGGAATGATCACAACAAACAAAGT-3'